The following is an entry in ClinVar:

ClinVar aggregate classification (germline): Conflicting classifications of pathogenicity. Review status: criteria provided, conflicting classifications (1 of 4 stars). 6 submissions from 5 submitters: Uncertain significance (4); Likely benign (2). Last evaluated 2025-07-07.

Conditions:
NF1-related disorder. Also called: NF1-related condition. Identifiers: MedGen CN379171.
Hereditary cancer-predisposing syndrome. Also called: Hereditary Cancer Syndrome; Neoplastic Syndromes, Hereditary; Tumor predisposition; Hereditary neoplastic syndrome. Identifiers: Orphanet 140162, MedGen C0027672, MeSH D009386, MONDO:0015356.
Cardiovascular phenotype. Identifiers: MedGen CN230736.
Neurofibromatosis, type 1 (NF1). Also called: NEUROFIBROMATOSIS, TYPE I, SOMATIC; VON RECKLINGHAUSEN DISEASE; Peripheral type neurofibromatosis; Neurofibromatosis, type I. Identifiers: Orphanet 636, MedGen C0027831, MONDO:0018975, OMIM 162200. Disease mechanism: loss of function.

Allele frequency attached by ClinVar (database versions not stated): gnomAD exomes below 0.00001 and 0.00001.
gnomAD v4.1: 4 of 1,612,868 alleles (0.00025%); highest among the groups gnomAD compares: East Asian, 0.0045%; no homozygotes.

Submissions (6):

Labcorp Genetics (formerly Invitae), Labcorp
Classification: Likely benign for Neurofibromatosis, type 1. Last evaluated: 2025-07-07. Review status: criteria provided, single submitter. Criteria: Invitae Variant Classification Sherloc (09022015). Collection method: clinical testing. Allele origin: germline.

PreventionGenetics, part of Exact Sciences
Classification: Uncertain significance for NF1-related condition. Last evaluated: 2022-10-19. Review status: criteria provided, single submitter. Criteria: ACMG Guidelines, 2015. Collection method: clinical testing. Allele origin: germline.
Comment: The NF1 c.91C>T variant is predicted to result in the amino acid substitution p.His31Tyr. To our knowledge, this variant has not been reported in the literature. This variant is reported in 0.016% of alleles in individuals of East Asian descent in gnomAD. Although we suspect that this variant may be benign, at this time, the clinical significance of this variant is uncertain due to the absence of conclusive functional and genetic evidence.

Genome-Nilou Lab
Classification: Uncertain significance for Neurofibromatosis, type 1. Last evaluated: 2022-03-15. Review status: criteria provided, single submitter. Criteria: ACMG Guidelines, 2015. Collection method: clinical testing. Allele origin: germline. Affected: no.

Ambry Genetics
Classification: Likely benign for Cardiovascular phenotype; Hereditary cancer-predisposing syndrome. Last evaluated: 2021-12-06. Review status: criteria provided, single submitter. Criteria: Ambry Variant Classification Scheme 2023. Collection method: clinical testing. Allele origin: germline.

Genome Diagnostics Laboratory, The Hospital for Sick Children
Classification: Uncertain significance for Neurofibromatosis, type 1. Last evaluated: 2020-10-26. Review status: criteria provided, single submitter. Criteria: ACMG Guidelines, 2015. Collection method: clinical testing. Allele origin: germline. Affected: yes.

Ambry Genetics
Classification: Uncertain significance for Hereditary cancer-predisposing syndrome. Last evaluated: 2014-10-06. Review status: criteria provided, single submitter. Criteria: Ambry Autosomal Dominant and X-Linked criteria (10/2015). Collection method: clinical testing. Allele origin: germline. Observed: 1 variant allele.
Comment: The p.H31Y variant (also known as c.91C>T), located in coding exon 2 of the NF1 gene, results from a C to T substitution at nucleotide position 91. The histidine at codon 31 is replaced by tyrosine, an amino acid with similar properties. This variant was not reported in population based cohorts in the following databases: Database of Single Nucleotide Polymorphisms (dbSNP), NHLBI Exome Sequencing Project (ESP), and 1000 Genomes Project. In the ESP, this variant was not observed in 6503 samples (13006 alleles) with coverage at this position.<span data-redactor="verified" style="background-color: initial;">To date, this alteration has been detected with an allele frequency of approximately 0.01% (greater than 11000 alleles tested) in our clinical cohort.<span data-redactor="verified" style="background-color: initial;"><span data-redactor="verified" style="background-color: initial;">This amino acid position is highly conserved in available vertebrate species. In addition, the in silico prediction for this alteration is inconclusive. <span data-redactor="verified" style="background-color: initial;">Since supporting evidence is limited at this time, the clinical significance of<span data-redactor="verified" style="background-color: initial;">p.H31Y<span data-redactor="verified" style="background-color: initial;">remains unclear.

NM_001042492.3(NF1):c.91C>T (p.His31Tyr)

Gene: NF1 (neurofibromin 1; plus strand). Cytogenetic location: 17q11.2.
Variant type: single nucleotide variant.
Coding change: c.91C>T on transcript NM_001042492.3 (MANE Select); coding-DNA position 91, C replaced by T.
Protein change: p.His31Tyr; replaces histidine 31 with tyrosine.
Molecular consequence: missense variant.
Genome position (GRCh38, 1-based): chr17:31,156,013, C>T. VCF-style: chr17-31156013-C-T. GRCh37 (hg19) VCF-style: chr17-29483031-C-T.
Other names: c.91C>T, p.His31Tyr (NM_001128147.3, NM_000267.4); short protein forms H31Y.
Identifiers: ClinVar variation 186329 (VCV000186329.17), dbSNP rs786202864, ClinGen allele CA194500.